The following is an entry in ClinVar:

NM_000260.4(MYO7A):c.3979G>C (p.Glu1327Gln)

Gene: MYO7A (myosin VIIA; plus strand). Cytogenetic location: 11q13.5.
Variant type: single nucleotide variant.
Coding change: c.3979G>C on transcript NM_000260.4 (MANE Select); coding-DNA position 3979, G replaced by C.
Protein change: p.Glu1327Gln; replaces glutamic acid 1327 with glutamine.
Molecular consequence: missense variant.
Genome position (GRCh38, 1-based): chr11:77,192,105, G>C. VCF-style: chr11-77192105-G-C. GRCh37 (hg19) VCF-style: chr11-76903150-G-C.
Other names: c.3979G>C, p.Glu1327Gln (NM_001127180.2); c.3946G>C, p.Glu1316Gln (NM_001369365.1); short protein forms E1316Q, E1327Q.
Identifiers: ClinVar variation 1519816 (VCV001519816.5), dbSNP rs373169422, ClinGen allele CA6198279.
Genomic context (GRCh38, chr11:77,192,105, plus strand): 5'-CCACAGGTGTCCTCCCTGGGCAGCGGCAGTGACCACGTCATGGACGCCATCTCCCAGTGC[G>C]AGCAGTACGCCAAGGAGCAGGGCGCCCAGGAGCGCAACGCCCCCTGGAGGCTCTTCTTCC-3'
Protein context (NP_000251.3, residues 1317-1337): DHVMDAISQC[Glu1327Gln]QYAKEQGAQE

ClinVar aggregate classification (germline): Likely pathogenic (1 of 4 stars; one submission).

gnomAD v4.1: 3 of 1,613,906 alleles (0.00019%); highest among the groups gnomAD compares: Admixed American, 0.0033%; no homozygotes.

Submission:

Labcorp Genetics (formerly Invitae), Labcorp
Classification: Likely pathogenic. Last evaluated: 2021-09-17. Review status: criteria provided, single submitter. Criteria: Invitae Variant Classification Sherloc (09022015). Collection method: clinical testing. Allele origin: germline.
Comment: This sequence change replaces glutamic acid with glutamine at codon 1327 of the MYO7A protein (p.Glu1327Gln). The glutamic acid residue is highly conserved and there is a small physicochemical difference between glutamic acid and glutamine. This variant is present in population databases (rs373169422, ExAC 0.009%). This variant has not been reported in the literature in individuals affected with MYO7A-related conditions. Advanced modeling of protein sequence and biophysical properties (such as structural, functional, and spatial information, amino acid conservation, physicochemical variation, residue mobility, and thermodynamic stability) performed at Invitae indicates that this missense variant is expected to disrupt MYO7A protein function. This variant disrupts the p.Glu1327 amino acid residue in MYO7A. Other variant(s) that disrupt this residue have been determined to be pathogenic (PMID: 16470552, 20513143). This suggests that this residue is clinically significant, and that variants that disrupt this residue are likely to be disease-causing. In summary, the currently available evidence indicates that the variant is pathogenic, but additional data are needed to prove that conclusively. Therefore, this variant has been classified as Likely Pathogenic.

Literature cited by the submitters: PubMed 16470552; PubMed 20513143.